The following is an entry in ClinVar:

NM_005267.5(GJA8):c.246C>G (p.Ile82Met)

Gene: GJA8 (gap junction protein alpha 8; plus strand). Cytogenetic location: 1q21.2.
Variant type: single nucleotide variant.
Coding change: c.246C>G on transcript NM_005267.5 (MANE Select); coding-DNA position 246, C replaced by G.
Protein change: p.Ile82Met; replaces isoleucine 82 with methionine.
Molecular consequence: missense variant.
Genome position (GRCh38, 1-based): chr1:147,908,201, C>G. VCF-style: chr1-147908201-C-G. GRCh37 (hg19) VCF-style: chr1-147380328-C-G.
Other names: short protein forms I82M.
Identifiers: ClinVar variation 2711254 (VCV002711254.3), dbSNP rs2524889612, ClinGen allele CA342223677.
Genomic context (GRCh38, chr1:147,908,201, plus strand): 5'-GAACGTCTGCTACGACGAGGCCTTTCCCATCTCCCACATTCGCCTCTGGGTGCTGCAGAT[C>G]ATCTTCGTCTCCACCCCGTCCCTGATGTACGTGGGGCACGCGGTGCACTACGTCCGCATG-3'
Protein context (NP_005258.2, residues 72-92): ISHIRLWVLQ[Ile82Met]IFVSTPSLMY

ClinVar aggregate classification (germline): Uncertain significance (1 of 4 stars; one submission).

Conditions:
Cataract 1 multiple types. Also called: CATARACT 1, NUCLEAR PROGRESSIVE; CATARACT 1 WITH MICROCORNEA; CATARACT, DUFFY-LINKED; CATARACT 1, POSTERIOR SUBCAPSULAR, WITH MICROCORNEA; CATARACT 1, STELLATE NUCLEAR, WITH MICROCORNEA; CATARACT 1, MULTIPLE TYPES, WITH OR WITHOUT MICROCORNEA. Identifiers: Orphanet 1377, MedGen C1861828, MONDO:0007285, OMIM 116200.

Submission:

Labcorp Genetics (formerly Invitae), Labcorp
Classification: Uncertain significance for Cataract 1 multiple types. Last evaluated: 2024-01-25. Review status: criteria provided, single submitter. Criteria: Invitae Variant Classification Sherloc (09022015). Collection method: clinical testing. Allele origin: germline.
Comment: This sequence change replaces isoleucine, which is neutral and non-polar, with methionine, which is neutral and non-polar, at codon 82 of the GJA8 protein (p.Ile82Met). This variant is not present in population databases (gnomAD no frequency). This variant has not been reported in the literature in individuals affected with GJA8-related conditions. Advanced modeling of protein sequence and biophysical properties (such as structural, functional, and spatial information, amino acid conservation, physicochemical variation, residue mobility, and thermodynamic stability) performed at Invitae indicates that this missense variant is expected to disrupt GJA8 protein function with a positive predictive value of 80%. In summary, the available evidence is currently insufficient to determine the role of this variant in disease. Therefore, it has been classified as a Variant of Uncertain Significance.